The following is an entry in ClinVar:

ClinVar aggregate classification (germline): Uncertain significance (1 of 4 stars; one submission).

Submission:

Labcorp Genetics (formerly Invitae), Labcorp
Classification: Uncertain significance. Last evaluated: 2024-06-28. Review status: criteria provided, single submitter. Criteria: Invitae Variant Classification Sherloc (09022015). Collection method: clinical testing. Allele origin: germline.
Comment: This sequence change replaces alanine, which is neutral and non-polar, with threonine, which is neutral and polar, at codon 237 of the HOXA13 protein (p.Ala237Thr). This variant is present in population databases (rs771337832, gnomAD 0.0009%). This variant has not been reported in the literature in individuals affected with HOXA13-related conditions. An algorithm developed to predict the effect of missense changes on protein structure and function (PolyPhen-2) suggests that this variant is likely to be tolerated. In summary, the available evidence is currently insufficient to determine the role of this variant in disease. Therefore, it has been classified as a Variant of Uncertain Significance.

NM_000522.5(HOXA13):c.709G>A (p.Ala237Thr)

Genes: HOXA13 (homeobox A13; minus strand), LOC107126288 (NUP98-HOXA13 recombination region; plus strand). Cytogenetic location: 7p15.2.
Variant type: single nucleotide variant.
Coding change: c.709G>A on transcript NM_000522.5 (MANE Select); coding-DNA position 709, G replaced by A.
Protein change: p.Ala237Thr; replaces alanine 237 with threonine.
Molecular consequence: missense variant.
Genome position (GRCh38, 1-based): chr7:27,199,369, C>T on the plus strand (G>A on the coding strand, the complement: HOXA13 is on the minus strand). VCF-style: chr7-27199369-C-T. GRCh37 (hg19) VCF-style: chr7-27238988-C-T.
Other names: short protein forms A237T.
Identifiers: ClinVar variation 3658150 (VCV003658150.2).
Genomic context (GRCh38, chr7:27,199,369, plus strand): 5'-CCGGCACCACTGGCATATCCAGGTAGCCAGGCATGGGCTGATGGTGGTGGTAAGGCCCGG[C>T]TGCGTAGCCCTGGTGGTAGAAGGCGAACTCCTTAGCGCGGGAGCTGAACTCCTCGGCAGC-3'
Protein context (NP_000513.2, residues 227-247): EFAFYHQGYA[Ala237Thr]GPYHHHQPMP